The following is an entry in ClinVar:

ClinVar aggregate classification (germline): Benign/Likely benign. Review status: criteria provided, multiple submitters, no conflicts (2 of 4 stars). 9 submissions from 9 submitters: Benign (8); Likely benign (1). Last evaluated 2026-02-04.

Conditions:
Autosomal recessive severe congenital neutropenia due to CSF3R deficiency. Also called: Neutropenia, severe congenital, 7, autosomal recessive. Identifiers: Orphanet 420702, MedGen C4310764, MONDO:0014865, OMIM 617014.

Allele frequency attached by ClinVar (database versions not stated): 1000 Genomes Project 0.24641; 1000 Genomes Project 30x 0.24641; TOPMed 0.27725; gnomAD 0.28603 and 0.28727; ESP Exome Variant Server 0.29971; gnomAD exomes 0.31256 and 0.33418; ExAC 0.31561.
gnomAD v4.1: 531,212 of 1,613,654 alleles (33%); highest among the groups gnomAD compares: South Asian, 41%; 90,674 homozygotes.

Submissions (9):

Labcorp Genetics (formerly Invitae), Labcorp
Classification: Benign for Autosomal recessive severe congenital neutropenia due to CSF3R deficiency. Last evaluated: 2026-02-04. Review status: criteria provided, single submitter. Criteria: Invitae Variant Classification Sherloc (09022015). Collection method: clinical testing. Allele origin: germline.

Women's Health and Genetics/Laboratory Corporation of America, LabCorp
Classification: Benign. Last evaluated: 2026-01-21. Review status: criteria provided, single submitter. Criteria: LabCorp Variant Classification Summary - May 2015. Collection method: clinical testing. Allele origin: germline.

ARUP Laboratories, Molecular Genetics and Genomics, ARUP Laboratories
Classification: Benign. Last evaluated: 2025-07-21. Review status: criteria provided, single submitter. Criteria: ARUP Molecular Germline Variant Investigation Process 2024. Collection method: clinical testing. Allele origin: germline.

Blueprint Genetics
Classification: Likely benign. Last evaluated: 2024-11-26. Review status: criteria provided, single submitter. Criteria: ACMG Guidelines, 2015. Collection method: clinical testing. Allele origin: germline.

Genome-Nilou Lab
Classification: Benign for Autosomal recessive severe congenital neutropenia due to CSF3R deficiency. Last evaluated: 2021-07-30. Review status: criteria provided, single submitter. Criteria: ACMG Guidelines, 2015. Collection method: clinical testing. Allele origin: germline. Affected: no.

Mayo Clinic Laboratories, Mayo Clinic
Classification: Benign. Last evaluated: 2018-03-29. Review status: criteria provided, single submitter. Criteria: ACMG Guidelines, 2015. Collection method: clinical testing. Allele origin: germline. Observed: 633 variant alleles.

Laboratory for Molecular Medicine, Mass General Brigham Personalized Medicine
Classification: Benign. Last evaluated: 2016-03-29. Review status: criteria provided, single submitter. Criteria: LMM Criteria. Collection method: clinical testing. Allele origin: germline.
Comment: Variant identified in a genome or exome case(s) and assessed due to predicted null impact of the variant or pathogenic assertions in the literature or databases. Disclaimer: This variant has not undergone full assessment. The following are preliminary notes: Frequency

Breakthrough Genomics
Classification: Benign. Review status: criteria provided, single submitter. Criteria: ACMG Guidelines, 2015. Collection method: not provided. Allele origin: germline. Inheritance: Autosomal recessive inheritance. Affected: yes.

PreventionGenetics, part of Exact Sciences
Classification: Benign. Review status: criteria provided, single submitter. Criteria: ACMG Guidelines, 2015. Collection method: clinical testing. Allele origin: germline.

Literature cited by the submitters: PubMed 23896413 (cited by Women's Health and Genetics/Laboratory Corporation of America, LabCorp); PubMed 28302714 (cited by Women's Health and Genetics/Laboratory Corporation of America, LabCorp); PubMed 24627528 (cited by Women's Health and Genetics/Laboratory Corporation of America, LabCorp); PubMed 23656643 (cited by Women's Health and Genetics/Laboratory Corporation of America, LabCorp); PubMed 23604229 (cited by Women's Health and Genetics/Laboratory Corporation of America, LabCorp); PubMed 27069254 (cited by Women's Health and Genetics/Laboratory Corporation of America, LabCorp).

NM_000760.4(CSF3R):c.1254T>C (p.Arg418=)

Gene: CSF3R (colony stimulating factor 3 receptor; minus strand). Cytogenetic location: 1p34.3.
Variant type: single nucleotide variant.
Coding change: c.1254T>C on transcript NM_000760.4 (MANE Select); coding-DNA position 1254, T replaced by C.
Protein change: p.Arg418=; no amino-acid change (arginine 418 retained).
Molecular consequence: synonymous variant.
Genome position (GRCh38, 1-based): chr1:36,471,464, A>G on the plus strand (T>C on the coding strand, the complement: CSF3R is on the minus strand). VCF-style: chr1-36471464-A-G. GRCh37 (hg19) VCF-style: chr1-36937065-A-G.
Other names: p.Arg418=; c.1254T>C, p.Arg418= (NM_156039.3, NM_172313.3).
Identifiers: ClinVar variation 256789 (VCV000256789.22), dbSNP rs3917980, ClinGen allele CA769250.